The following is an entry in ClinVar:

NM_001302371.3(NBPF10):c.10810+8C>G

Gene: NBPF10 (NBPF member 10; minus strand). Cytogenetic location: 1q21.1.
Variant type: single nucleotide variant.
Coding change: c.10810+8C>G on transcript NM_001302371.3 (MANE Select); 8 bases into the intron after coding-DNA position 10810, C replaced by G.
Molecular consequence: intron variant.
Genome position (GRCh38, 1-based): chr1:146,069,535, G>C on the plus strand (C>G on the coding strand, the complement: NBPF10 is on the minus strand). VCF-style: chr1-146069535-G-C. GRCh37 (hg19) VCF-style: chr1-145365467-C-G.
Other names: c.10303+8C>G (NM_001039703.6).
Identifiers: ClinVar variation 2639105 (VCV002639105.24), dbSNP rs781807043, ClinGen allele CA1053015.

ClinVar aggregate classification (germline): Likely benign (1 of 4 stars; one submission).

Allele frequency attached by ClinVar (database versions not stated): ExAC 0.00017.

Submission:

CeGaT Center for Human Genetics Tuebingen
Classification: Likely benign. Last evaluated: 2023-07-01. Review status: criteria provided, single submitter. Criteria: CeGaT Center For Human Genetics Tuebingen Variant Classification Criteria Version 2. Collection method: clinical testing. Allele origin: germline. Affected: yes. Observed: 2 variant alleles.
Comment: NBPF10: BP4, BS2